The following is an entry in ClinVar:

ClinVar aggregate classification (germline): Uncertain significance (1 of 4 stars; one submission).

Conditions:
Inborn genetic diseases. Identifiers: MedGen C0950123, MeSH D030342.

Allele frequency attached by ClinVar (database versions not stated): gnomAD exomes below 0.00001.
gnomAD v4.1: 3 of 1,614,022 alleles (0.00019%); highest among the groups gnomAD compares: Non-Finnish European, 0.00025%; no homozygotes.

Submission:

Ambry Genetics
Classification: Uncertain significance for Inborn genetic diseases. Last evaluated: 2023-12-10. Review status: criteria provided, single submitter. Criteria: Ambry Variant Classification Scheme 2023. Collection method: clinical testing. Allele origin: germline.
Comment: The p.G860E variant (also known as c.2579G>A), located in coding exon 16 of the EPAS1 gene, results from a G to A substitution at nucleotide position 2579. The glycine at codon 860 is replaced by glutamic acid, an amino acid with similar properties. This amino acid position is conserved. In addition, this alteration is predicted to be tolerated by in silico analysis. Since supporting evidence is limited at this time, the clinical significance of this alteration remains unclear.

NM_001430.5(EPAS1):c.2579G>A (p.Gly860Glu)

Gene: EPAS1 (endothelial PAS domain protein 1; plus strand). Cytogenetic location: 2p21.
Variant type: single nucleotide variant.
Coding change: c.2579G>A on transcript NM_001430.5 (MANE Select); coding-DNA position 2579, G replaced by A.
Protein change: p.Gly860Glu; replaces glycine 860 with glutamic acid.
Molecular consequence: missense variant.
Genome position (GRCh38, 1-based): chr2:46,384,626, G>A. VCF-style: chr2-46384626-G-A. GRCh37 (hg19) VCF-style: chr2-46611765-G-A.
Other names: short protein forms G860E.
Identifiers: ClinVar variation 3221640 (VCV003221640.1), dbSNP rs2546483794, ClinGen allele CA346707163.